The following is an entry in ClinVar:

ClinVar aggregate classification (germline): Likely benign (1 of 4 stars; one submission).

Submission:

CeGaT Center for Human Genetics Tuebingen
Classification: Likely benign. Last evaluated: 2023-10-01. Review status: criteria provided, single submitter. Criteria: CeGaT Center For Human Genetics Tuebingen Variant Classification Criteria Version 2. Collection method: clinical testing. Allele origin: germline. Affected: yes. Observed: 1 variant allele.
Comment: MPV17: PM2:Supporting, BP4, BP7

NM_002437.5(MPV17):c.461+261T>G

Gene: MPV17 (mitochondrial inner membrane protein MPV17; minus strand). Cytogenetic location: 2p23.3.
Variant type: single nucleotide variant.
Coding change: c.461+261T>G on transcript NM_002437.5 (MANE Select); 261 bases into the intron after coding-DNA position 461, T replaced by G.
Molecular consequence: intron variant.
Genome position (GRCh38, 1-based): chr2:27,311,638, A>C on the plus strand (T>G on the coding strand, the complement: MPV17 is on the minus strand). VCF-style: chr2-27311638-A-C. GRCh37 (hg19) VCF-style: chr2-27534506-A-C.
Identifiers: ClinVar variation 2650765 (VCV002650765.24), dbSNP rs2465676783, ClinGen allele CA2576929110.